The following is an entry in ClinVar:

ClinVar aggregate classification (germline): Uncertain significance (1 of 4 stars; one submission).

Allele frequency attached by ClinVar (database versions not stated): gnomAD exomes below 0.00001; TOPMed 0.00002.

Submission:

Labcorp Genetics (formerly Invitae), Labcorp
Classification: Uncertain significance. Last evaluated: 2023-05-16. Review status: criteria provided, single submitter. Criteria: Invitae Variant Classification Sherloc (09022015). Collection method: clinical testing. Allele origin: germline.
Comment: In summary, the available evidence is currently insufficient to determine the role of this variant in disease. Therefore, it has been classified as a Variant of Uncertain Significance. Advanced modeling of protein sequence and biophysical properties (such as structural, functional, and spatial information, amino acid conservation, physicochemical variation, residue mobility, and thermodynamic stability) has been performed at Invitae for this missense variant, however the output from this modeling did not meet the statistical confidence thresholds required to predict the impact of this variant on SNIP1 protein function. This variant has not been reported in the literature in individuals affected with SNIP1-related conditions. This variant is present in population databases (rs746110236, gnomAD 0.007%). This sequence change replaces arginine, which is basic and polar, with cysteine, which is neutral and slightly polar, at codon 253 of the SNIP1 protein (p.Arg253Cys).

NM_024700.4(SNIP1):c.757C>T (p.Arg253Cys)

Genes: SNIP1 (Smad nuclear interacting protein 1; minus strand), LOC126805704 (BRD4-independent group 4 enhancer GRCh37_chr1:38005292-38006491; plus strand). Cytogenetic location: 1p34.3.
Variant type: single nucleotide variant.
Coding change: c.757C>T on transcript NM_024700.4 (MANE Select); coding-DNA position 757, C replaced by T.
Protein change: p.Arg253Cys; replaces arginine 253 with cysteine.
Molecular consequence: missense variant.
Genome position (GRCh38, 1-based): chr1:37,540,326, G>A on the plus strand (C>T on the coding strand, the complement: SNIP1 is on the minus strand). VCF-style: chr1-37540326-G-A. GRCh37 (hg19) VCF-style: chr1-38005927-G-A.
Other names: short protein forms R253C.
Identifiers: ClinVar variation 2717345 (VCV002717345.3), dbSNP rs746110236, ClinGen allele CA20808811.